The following is an entry in ClinVar:

ClinVar aggregate classification (germline): Pathogenic. Review status: reviewed by expert panel (3 of 4 stars). 4 submissions from 4 submitters: Pathogenic (1). 3 of the submissions do not count toward it. Last evaluated 2016-10-18.

Conditions:
Breast-ovarian cancer, familial, susceptibility to, 2 (BROVCA2). Also called: BRCA2 Hereditary Breast and Ovarian Cancer. Identifiers: Orphanet 145, MedGen C2675520, MONDO:0012933, OMIM 612555. Disease mechanism: loss of function.
Hereditary breast ovarian cancer syndrome. Also called: BRCA1- and BRCA2-Associated Hereditary Breast and Ovarian Cancer; Hereditary breast and ovarian cancer; Breast and ovarian cancer; Hereditary breast and/or ovarian cancer syndrome; Hereditary breast and ovarian cancer syndrome; Hereditary breast and ovarian cancer syndrome (HBOC). Identifiers: Orphanet 145, MedGen C0677776, MeSH D061325, MONDO:0003582. Disease mechanism: loss of function.

Submissions (4):

Evidence-based Network for the Interpretation of Germline Mutant Alleles (ENIGMA)
Classification: Pathogenic for Breast-ovarian cancer, familial, susceptibility to, 2. Last evaluated: 2016-10-18. Review status: reviewed by expert panel. Criteria: ENIGMA BRCA1/2 Classification Criteria (2015). Collection method: curation. Allele origin: germline.
Comment: Variant allele predicted to encode a truncated non-functional protein.

Labcorp Genetics (formerly Invitae), Labcorp
Classification: Pathogenic for Hereditary breast ovarian cancer syndrome. Last evaluated: 2025-05-09. Review status: criteria provided, single submitter. Criteria: Invitae Variant Classification Sherloc (09022015). Collection method: clinical testing. Allele origin: germline. Not counted in ClinVar's aggregate classification.
Comment: This sequence change creates a premature translational stop signal (p.Pro2798Leufs*21) in the BRCA2 gene. It is expected to result in an absent or disrupted protein product. Loss-of-function variants in BRCA2 are known to be pathogenic (PMID: 20104584). This variant is not present in population databases (gnomAD no frequency). This variant has not been reported in the literature in individuals affected with BRCA2-related conditions. ClinVar contains an entry for this variant (Variation ID: 267080). For these reasons, this variant has been classified as Pathogenic.

Myriad Genetics, Inc.
Classification: Pathogenic for Breast-ovarian cancer, familial, susceptibility to, 2. Last evaluated: 2023-05-26. Review status: criteria provided, single submitter. Criteria: Myriad Autosomal Dominant, Autosomal Recessive and X-Linked Classification Criteria (2023). Collection method: clinical testing. Allele origin: unknown. Not counted in ClinVar's aggregate classification.
Comment: This variant is considered pathogenic. This variant creates a frameshift predicted to result in premature protein truncation.

Consortium of Investigators of Modifiers of BRCA1/2 (CIMBA), c/o University of Cambridge
Classification: Pathogenic for Breast-ovarian cancer, familial, susceptibility to, 2. Last evaluated: 2015-10-02. Review status: criteria provided, single submitter. Criteria: CIMBA Mutation Classification guidelines May 2016. Collection method: clinical testing. Allele origin: germline. Not counted in ClinVar's aggregate classification.

Literature cited by the submitters: PubMed 20104584 (cited by Labcorp Genetics (formerly Invitae), Labcorp).

NM_000059.4(BRCA2):c.8393_8399del (p.Pro2798fs)

Gene: BRCA2 (BRCA2 DNA repair associated; plus strand). Cytogenetic location: 13q13.1.
Variant type: Deletion.
Coding change: c.8393_8399del on transcript NM_000059.4 (MANE Select); coding-DNA positions 8393 to 8399, 7 bases deleted (CTAGACC; older notation c.8393_8399delCTAGACC).
Protein change: p.Pro2798fs; shifts the reading frame from proline 2798.
Molecular consequence: frameshift variant.
Genome position (GRCh38, 1-based): chr13:32,370,463-32,370,469, CTAGACC deleted; deleting any 7 consecutive bases within chr13:32,370,459-32,370,469 gives the same sequence; the c. name uses the placement nearest the transcript's 3' end. VCF-style (leftmost placement, unchanged base first): chr13-32370458-TGACCCTA-T. GRCh37 (hg19) VCF-style: chr13-32944595-TGACCCTA-T.
Other names: 8621_8627delCTAGACC; short protein forms P2798fs.
Identifiers: ClinVar variation 267080 (VCV000267080.9), dbSNP rs886040769, ClinGen allele CA10589492.